The following is an entry in ClinVar:

NM_006031.6(PCNT):c.2929T>C (p.Ser977Pro)

Gene: PCNT (pericentrin; plus strand). Cytogenetic location: 21q22.3.
Variant type: single nucleotide variant.
Coding change: c.2929T>C on transcript NM_006031.6 (MANE Select); coding-DNA position 2929, T replaced by C.
Protein change: p.Ser977Pro; replaces serine 977 with proline.
Molecular consequence: missense variant.
Genome position (GRCh38, 1-based): chr21:46,366,903, T>C. VCF-style: chr21-46366903-T-C. GRCh37 (hg19) VCF-style: chr21-47786818-T-C.
Other names: c.2575T>C, p.Ser859Pro (NM_001315529.2); short protein forms S977P, S859P.
Identifiers: ClinVar variation 4984229 (VCV004984229.1).

ClinVar aggregate classification (germline): Uncertain significance (1 of 4 stars; one submission).

Conditions:
PCNT-related disorder. Also called: PCNT-related condition.

gnomAD v4.1: 32 of 1,614,108 alleles (0.002%); highest among the groups gnomAD compares: African/African-American, 0.0027%; no homozygotes.

Submission:

PreventionGenetics, part of Exact Sciences
Classification: Uncertain significance for PCNT-related condition. Last evaluated: 2026-05-13. Review status: criteria provided, single submitter. Criteria: ACMG Guidelines, 2015. Collection method: clinical testing. Allele origin: germline.
Comment: The PCNT c.2929T>C variant is predicted to result in the amino acid substitution p.Ser977Pro. To our knowledge, this variant has not been reported in the literature. This variant is reported in 0.0018% of alleles in individuals of European (Non-Finnish) descent in gnomAD. At this time, the clinical significance of this variant is uncertain due to the absence of conclusive functional and genetic evidence.